The following is an entry in ClinVar:

ClinVar aggregate classification (germline): Uncertain significance (1 of 4 stars; one submission).

Submission:

CeGaT Center for Human Genetics Tuebingen
Classification: Uncertain significance. Last evaluated: 2022-08-01. Review status: criteria provided, single submitter. Criteria: CeGaT Center For Human Genetics Tuebingen Variant Classification Criteria Version 2. Collection method: clinical testing. Allele origin: germline. Affected: yes. Observed: 1 variant allele.
Comment: KMT2A: PM2

NM_001197104.2(KMT2A):c.2641G>C (p.Glu881Gln)

Gene: KMT2A (lysine methyltransferase 2A; plus strand). Cytogenetic location: 11q23.3.
Variant type: single nucleotide variant.
Coding change: c.2641G>C on transcript NM_001197104.2 (MANE Select); coding-DNA position 2641, G replaced by C.
Protein change: p.Glu881Gln; replaces glutamic acid 881 with glutamine.
Molecular consequence: missense variant.
Genome position (GRCh38, 1-based): chr11:118,473,800, G>C. VCF-style: chr11-118473800-G-C. GRCh37 (hg19) VCF-style: chr11-118344515-G-C.
Other names: c.2740G>C, p.Glu914Gln (NM_001412597.1); c.2641G>C, p.Glu881Gln (NM_005933.4); short protein forms E881Q, E914Q.
Identifiers: ClinVar variation 2642421 (VCV002642421.24), dbSNP rs2496813693, ClinGen allele CA382816671.